The following is an entry in ClinVar:

NM_000071.3(CBS):c.1257G>A (p.Leu419=)

Gene: CBS (cystathionine beta-synthase; minus strand). Cytogenetic location: 21q22.3.
Variant type: single nucleotide variant.
Coding change: c.1257G>A on transcript NM_000071.3 (MANE Select); coding-DNA position 1257, G replaced by A.
Protein change: p.Leu419=; no amino-acid change (leucine 419 retained).
Molecular consequence: synonymous variant.
Genome position (GRCh38, 1-based): chr21:43,058,935, C>T on the plus strand (G>A on the coding strand, the complement: CBS is on the minus strand). VCF-style: chr21-43058935-C-T. GRCh37 (hg19) VCF-style: chr21-44479045-C-T.
Other names: p.L419L:CTG>CTA; c.1257G>A, p.Leu419= (NM_001178008.3, NM_001178009.3, NM_001320298.2); c.942G>A, p.Leu314= (NM_001321072.1).
Identifiers: ClinVar variation 194318 (VCV000194318.35), dbSNP rs138432416, ClinGen allele CA302749.

ClinVar aggregate classification (germline): Conflicting classifications of pathogenicity. Review status: criteria provided, conflicting classifications (1 of 4 stars). 11 submissions from 11 submitters: Uncertain significance (1); Benign (3); Likely benign (7). Last evaluated 2026-09-01.

Conditions:
Connective tissue disorder. Also called: Connective tissue disease. Identifiers: MedGen C0009782, MONDO:0003900.
CBS-related disorder. Also called: CBS-related condition.
Familial thoracic aortic aneurysm and aortic dissection (TAAD). Also called: Thoracic aortic aneurysms and dissections. Identifiers: Orphanet 91387, MedGen C4707243, MONDO:0019625.
HYPERHOMOCYSTEINEMIA, THROMBOTIC, CBS-RELATED. Identifiers: MedGen C3150344, OMIM 236200.

Allele frequency attached by ClinVar (database versions not stated): gnomAD exomes 0.00022; ExAC 0.00065; gnomAD 0.00083; ESP Exome Variant Server 0.00085; 1000 Genomes Project 0.00140.

Submissions (11):

CeGaT Center for Human Genetics Tuebingen
Classification: Likely benign. Last evaluated: 2026-09-01. Review status: criteria provided, single submitter. Criteria: CeGaT Center For Human Genetics Tuebingen Variant Classification Criteria Version 2. Collection method: clinical testing. Allele origin: germline. Affected: yes. Observed: 2 variant alleles.
Comment: CBS: PM2:Supporting, BP4, BP7

PreventionGenetics, part of Exact Sciences
Classification: Likely benign for CBS-related condition. Last evaluated: 2026-06-11. Review status: criteria provided, single submitter. Criteria: ACMG Guidelines, 2015. Collection method: clinical testing. Allele origin: germline.
Comment: This variant is classified as likely benign based on ACMG/AMP sequence variant interpretation guidelines (Richards et al. 2015 PMID: 25741868, with internal and published modifications).

Labcorp Genetics (formerly Invitae), Labcorp
Classification: Benign for HYPERHOMOCYSTEINEMIA, THROMBOTIC, CBS-RELATED. Last evaluated: 2026-01-27. Review status: criteria provided, single submitter. Criteria: Invitae Variant Classification Sherloc (09022015). Collection method: clinical testing. Allele origin: germline.

Molecular Diagnostic Laboratory for Inherited Cardiovascular Disease, Montreal Heart Institute
Classification: Likely benign. Last evaluated: 2025-07-24. Review status: criteria provided, single submitter. Criteria: ACMG Guidelines, 2015. Collection method: clinical testing. Allele origin: germline. Affected: no.
Comment: BP7

Blueprint Genetics
Classification: Likely benign. Last evaluated: 2024-07-16. Review status: criteria provided, single submitter. Criteria: ACMG Guidelines, 2015. Collection method: clinical testing. Allele origin: germline.

Women's Health and Genetics/Laboratory Corporation of America, LabCorp
Classification: Likely benign. Last evaluated: 2023-08-10. Review status: criteria provided, single submitter. Criteria: LabCorp Variant Classification Summary - May 2015. Collection method: clinical testing. Allele origin: germline.

Ambry Genetics
Classification: Likely benign for Familial thoracic aortic aneurysm and aortic dissection. Last evaluated: 2020-03-05. Review status: criteria provided, single submitter. Criteria: Ambry Variant Classification Scheme 2023. Collection method: clinical testing. Allele origin: germline.

ARUP Laboratories, Molecular Genetics and Genomics, ARUP Laboratories
Classification: Benign. Last evaluated: 2019-11-07. Review status: criteria provided, single submitter. Criteria: ARUP Molecular Germline Variant Investigation Process. Collection method: clinical testing. Allele origin: germline.

Genome Diagnostics Laboratory, The Hospital for Sick Children
Classification: Uncertain significance for Connective tissue disorder. Last evaluated: 2019-02-01. Review status: criteria provided, single submitter. Criteria: ACMG Guidelines, 2015. Collection method: clinical testing. Allele origin: germline.

Eurofins Ntd Llc (ga)
Classification: Likely benign. Last evaluated: 2015-02-17. Review status: criteria provided, single submitter. Criteria: EGL Classification Definitions 2015. Collection method: clinical testing. Allele origin: germline. Observed: 1 variant allele, 1 heterozygote.

GeneDx
Classification: Benign. Last evaluated: 2014-08-13. Review status: criteria provided, single submitter. Criteria: GeneDx Variant Classification (06012015). Collection method: clinical testing. Allele origin: germline. Affected: yes.
Comment: This variant is considered likely benign or benign based on one or more of the following criteria: it is a conservative change, it occurs at a poorly conserved position in the protein, it is predicted to be benign by multiple in silico algorithms, and/or has population frequency not consistent with disease.